The following is an entry in ClinVar:

ClinVar aggregate classification (germline): Uncertain significance (1 of 4 stars; one submission).

Conditions:
Inborn genetic diseases. Identifiers: MedGen C0950123, MeSH D030342.

Submission:

Ambry Genetics
Classification: Uncertain significance for Inborn genetic diseases. Last evaluated: 2025-01-17. Review status: criteria provided, single submitter. Criteria: Ambry Variant Classification Scheme 2023. Collection method: clinical testing. Allele origin: germline.
Comment: The p.Y181H variant (also known as c.541T>C), located in coding exon 1 of the SAMD9L gene, results from a T to C substitution at nucleotide position 541. The tyrosine at codon 181 is replaced by histidine, an amino acid with similar properties. This amino acid position is conserved. In addition, this alteration is predicted to be tolerated by in silico analysis. Based on the available evidence, the clinical significance of this variant remains unclear.

NM_152703.5(SAMD9L):c.541T>C (p.Tyr181His)

Gene: SAMD9L (sterile alpha motif domain containing 9 like; minus strand). Cytogenetic location: 7q21.2.
Variant type: single nucleotide variant.
Coding change: c.541T>C on transcript NM_152703.5 (MANE Select); coding-DNA position 541, T replaced by C.
Protein change: p.Tyr181His; replaces tyrosine 181 with histidine.
Molecular consequence: missense variant.
Genome position (GRCh38, 1-based): chr7:93,135,431, A>G on the plus strand (T>C on the coding strand, the complement: SAMD9L is on the minus strand). VCF-style: chr7-93135431-A-G. GRCh37 (hg19) VCF-style: chr7-92764744-A-G.
Other names: c.541T>C, p.Tyr181His (NM_001303496.3, NM_001303497.3, NM_001303498.3 and 5 more transcripts); short protein forms Y181H.
Identifiers: ClinVar variation 3792320 (VCV003792320.1).
Genomic context (GRCh38, chr7:93,135,431, plus strand): 5'-CTTTGAACTCATGTATTGGATCAATGAGATTGAGTGCTCCTGTTTCAGGTTGTAGAGTAT[A>G]ATGTTCTATGTAGCGATGGCTGTCATGGAACTGATCAAAAGGATATGGCATACAAGTCAA-3'
Protein context (NP_689916.2, residues 171-191): FHDSHRYIEH[Tyr181His]TLQPETGALN